The following is an entry in ClinVar:

ClinVar aggregate classification (germline): Uncertain significance (1 of 4 stars; one submission).

Allele frequency attached by ClinVar (database versions not stated): ExAC 0.00001; gnomAD exomes 0.00001; ESP Exome Variant Server 0.00008.
gnomAD v4.1: 8 of 1,614,212 alleles (0.0005%); highest among the groups gnomAD compares: Admixed American, 0.0017%; no homozygotes.

Submission:

Labcorp Genetics (formerly Invitae), Labcorp
Classification: Uncertain significance. Last evaluated: 2021-12-18. Review status: criteria provided, single submitter. Criteria: Invitae Variant Classification Sherloc (09022015). Collection method: clinical testing. Allele origin: germline.
Comment: In summary, the available evidence is currently insufficient to determine the role of this variant in disease. Therefore, it has been classified as a Variant of Uncertain Significance. Algorithms developed to predict the effect of missense changes on protein structure and function are either unavailable or do not agree on the potential impact of this missense change (SIFT: "Tolerated"; PolyPhen-2: "Probably Damaging"; Align-GVGD: "Class C0"). This variant has not been reported in the literature in individuals affected with IL6R-related conditions. This variant is present in population databases (rs370473905, gnomAD 0.003%). This sequence change replaces leucine, which is neutral and non-polar, with phenylalanine, which is neutral and non-polar, at codon 148 of the IL6R protein (p.Leu148Phe).

NM_000565.4(IL6R):c.442C>T (p.Leu148Phe)

Gene: IL6R (interleukin 6 receptor; plus strand). Cytogenetic location: 1q21.3.
Variant type: single nucleotide variant.
Coding change: c.442C>T on transcript NM_000565.4 (MANE Select); coding-DNA position 442, C replaced by T.
Protein change: p.Leu148Phe; replaces leucine 148 with phenylalanine.
Molecular consequence: missense variant. On other transcripts: intron variant (1).
Genome position (GRCh38, 1-based): chr1:154,430,590, C>T. VCF-style: chr1-154430590-C-T. GRCh37 (hg19) VCF-style: chr1-154403066-C-T.
Other names: c.442C>T, p.Leu148Phe (NM_001206866.2, NM_001382769.1, NM_001382770.1 and 4 more transcripts); c.126+1354C>T (NM_001382774.1); short protein forms L148F.
Identifiers: ClinVar variation 1931414 (VCV001931414.4), dbSNP rs370473905, ClinGen allele CA1129015.
Genomic context (GRCh38, chr1:154,430,590, plus strand): 5'-AGCAATGTTGTTTGTGAGTGGGGTCCTCGGAGCACCCCATCCCTGACGACAAAGGCTGTG[C>T]TCTTGGTGAGGAAGTTGTAAGTATCTTGGGCTGAGCTATGTGCATGTTGGCTCCCTCCTT-3'
Protein context (NP_000556.1, residues 138-158): STPSLTTKAV[Leu148Phe]LVRKFQNSPA